The following is an entry in ClinVar:

ClinVar aggregate classification (germline): Pathogenic. Review status: no assertion criteria provided (0 of 4 stars). 2 submissions from 2 submitters: Pathogenic (2). Last evaluated 2013-08-29.

Conditions:
Holoprosencephaly 2 (HPE2). Identifiers: Orphanet 2162, MedGen C1834877, MONDO:0007999, OMIM 157170.

Submissions (2):

GeneReviews
Classification: Pathogenic for Holoprosencephaly. Last evaluated: 2013-08-29. Review status: no assertion criteria provided. Collection method: curation. Allele origin: unknown.
ClinVar note: Converted during submission from pathologic to Pathogenic.

OMIM
Classification: Pathogenic for HOLOPROSENCEPHALY 2. Last evaluated: 2004-12-01. Review status: no assertion criteria provided. Collection method: literature only. Allele origin: germline.

Literature cited by the submitters: PubMed 10369266 (cited by OMIM); PubMed 15523651 (cited by OMIM).

NM_005413.4(SIX3):c.676C>G (p.Leu226Val)

Gene: SIX3 (SIX homeobox 3; plus strand). Cytogenetic location: 2p21.
Variant type: single nucleotide variant.
Coding change: c.676C>G on transcript NM_005413.4 (MANE Select); coding-DNA position 676, C replaced by G.
Protein change: p.Leu226Val; replaces leucine 226 with valine.
Molecular consequence: missense variant.
Genome position (GRCh38, 1-based): chr2:44,942,780, C>G. VCF-style: chr2-44942780-C-G. GRCh37 (hg19) VCF-style: chr2-45169919-C-G.
Other names: 676C>G; short protein forms L226V.
Identifiers: ClinVar variation 6093 (VCV000006093.3), dbSNP rs121917878, ClinGen allele CA340519.